The following is an entry in ClinVar:

ClinVar aggregate classification (germline): Pathogenic. Review status: reviewed by expert panel (3 of 4 stars). 12 submissions from 12 submitters: Pathogenic (1). 11 of the submissions do not count toward it. Last evaluated 2013-09-05.

Conditions:
MSH6-related disorder. Also called: MSH6-Related disorders; MSH6-related condition.
Endometrial carcinoma. Also called: Endometrial carcinoma, somatic. Identifiers: MedGen C0476089, MONDO:0002447, OMIM 608089, HP:0012114.
Mismatch repair cancer syndrome 3. Identifiers: MedGen C5436807, MONDO:0030841, OMIM 619097.
Lynch syndrome 5 (LYNCH5). Also called: Colorectal cancer, hereditary nonpolyposis, type 5; Hereditary non-polyposis colorectal cancer, type 5. Identifiers: Orphanet 144, MedGen C1833477, MONDO:0013710, OMIM 614350. Disease mechanism: loss of function.
Lynch syndrome. Identifiers: Orphanet 144, MedGen C4552100, MONDO:0005835. Disease mechanism: loss of function.
Hereditary cancer-predisposing syndrome. Also called: Neoplastic Syndromes, Hereditary; Hereditary Cancer Syndrome; Tumor predisposition; Hereditary neoplastic syndrome. Identifiers: Orphanet 140162, MedGen C0027672, MeSH D009386, MONDO:0015356.
Inherited MMR deficiency (Lynch syndrome).
Hereditary nonpolyposis colorectal neoplasms. Identifiers: MedGen C0009405, MeSH D003123.

gnomAD v4.1: 11 of 1,610,564 alleles (0.00068%); highest among the groups gnomAD compares: Non-Finnish European, 0.00093%; no homozygotes.

Submissions (12):

International Society for Gastrointestinal Hereditary Tumours (InSiGHT)
Classification: Pathogenic for Lynch Syndrome. Last evaluated: 2013-09-05. Review status: reviewed by expert panel. Criteria: Guidelines v1.9. Collection method: research. Allele origin: germline.
Comment: Coding sequence variation resulting in a stop codon

Classified with v1.9 guidelines

Genetics Laboratory, Great Ormond Street Hospital NHS Foundation Trust, North Thames Genomic Laboratory Hub
Classification: Pathogenic for Inherited MMR deficiency (Lynch syndrome). Last evaluated: 2026-07-06. Review status: criteria provided, single submitter. Criteria: CanVIG MMR Gene Specific V1.7. Collection method: clinical testing. Allele origin: germline. Affected: yes. Not counted in ClinVar's aggregate classification.
Comment: PM2_supporting, PVS1_very-strong, PM5_supporting, PP4_supporting

NHS Central & South Genomic Laboratory Hub
Classification: Pathogenic for Inherited MMR deficiency (Lynch syndrome). Last evaluated: 2026-05-30. Review status: criteria provided, single submitter. Criteria: ACMG Guidelines, 2015. Collection method: clinical testing. Allele origin: germline. Affected: yes. Not counted in ClinVar's aggregate classification.

Labcorp Genetics (formerly Invitae), Labcorp
Classification: Pathogenic for Hereditary nonpolyposis colorectal neoplasms. Last evaluated: 2025-04-24. Review status: criteria provided, single submitter. Criteria: Invitae Variant Classification Sherloc (09022015). Collection method: clinical testing. Allele origin: germline. Not counted in ClinVar's aggregate classification.
Comment: This sequence change creates a premature translational stop signal (p.Tyr214*) in the MSH6 gene. It is expected to result in an absent or disrupted protein product. Loss-of-function variants in MSH6 are known to be pathogenic (PMID: 18269114, 24362816). This variant is not present in population databases (gnomAD no frequency). This premature translational stop signal has been observed in individual(s) with colorectal cancer and metastatic prostate cancer and constitutional mismatch repair-deficiency (PMID: 10507723, 17259933, 27433846). In at least one individual the data is consistent with being in trans (on the opposite chromosome) from a pathogenic variant. ClinVar contains an entry for this variant (Variation ID: 89547). For these reasons, this variant has been classified as Pathogenic.

Ambry Genetics
Classification: Pathogenic for Hereditary cancer-predisposing syndrome. Last evaluated: 2024-08-01. Review status: criteria provided, single submitter. Criteria: Ambry Variant Classification Scheme 2023. Collection method: clinical testing. Allele origin: germline. Not counted in ClinVar's aggregate classification.
Comment: The p.Y214* pathogenic mutation (also known as c.642C>G), located in coding exon 4 of the MSH6 gene, results from a C to G substitution at nucleotide position 642. This changes the amino acid from a tyrosine to a stop codon within coding exon 4. It has been identified in a patient with a history of sebaceous adenomas, testicular embryonal teratoma and adenomatous colon polyps with a family history of gastrointestinal malignancies (Murphy HR et al. Fam. Cancer, 2008 Jan;7:255-7). This alteration was also identified in 1/692 men with metastatic prostate cancer who were unselected for family history of cancer or age at diagnosis (Pritchard CC et al. N. Engl. J. Med., 2016 Aug;375:443-53). In addition to the clinical data presented in the literature, this alteration is expected to result in loss of function by premature protein truncation or nonsense-mediated mRNA decay. As such, this alteration is interpreted as a disease-causing mutation.

Myriad Genetics, Inc.
Classification: Pathogenic for Lynch syndrome 5. Last evaluated: 2023-08-10. Review status: criteria provided, single submitter. Criteria: Myriad Autosomal Dominant, Autosomal Recessive and X-Linked Classification Criteria (2023). Collection method: clinical testing. Allele origin: unknown. Not counted in ClinVar's aggregate classification.
Comment: This variant is considered pathogenic. This variant creates a termination codon and is predicted to result in premature protein truncation.

Blueprint Genetics
Classification: Pathogenic for MSH6-related disorders. Last evaluated: 2023-07-26. Review status: criteria provided, single submitter. Criteria: ACMG Guidelines, 2015. Collection method: clinical testing. Allele origin: germline. Affected: yes. Observed: 1 variant allele. Not counted in ClinVar's aggregate classification.

Fulgent Genetics
Classification: Pathogenic for Endometrial carcinoma; Lynch syndrome 5; Mismatch repair cancer syndrome 3. Last evaluated: 2022-04-19. Review status: criteria provided, single submitter. Criteria: ACMG Guidelines, 2015. Collection method: clinical testing. Allele origin: unknown. Not counted in ClinVar's aggregate classification.

GeneDx
Classification: Pathogenic. Last evaluated: 2021-11-29. Review status: criteria provided, single submitter. Criteria: GeneDx Variant Classification Process June 2021. Collection method: clinical testing. Allele origin: germline. Affected: yes. Not counted in ClinVar's aggregate classification.
Comment: Nonsense variant predicted to result in protein truncation or nonsense mediated decay in a gene for which loss-of-function is a known mechanism of disease; Not observed in large population cohorts (Lek 2016); Truncating variants in this gene are considered pathogenic by a well-established clinical consortium and/or database; Observed in patients with Lynch-related cancers and tumor studies consistent with pathogenic variants in this gene (Verma 1999, Murphy 2008, Pritchard 2016); This variant is associated with the following publications: (PMID: 25525159, 27433846, 25871441, 10507723, 18409202, 18709565, 21376568, 21674763, 18236172, 17259933, 27806231, 33087929)

Laboratory for Molecular Medicine, Mass General Brigham Personalized Medicine
Classification: Pathogenic for Lynch syndrome. Last evaluated: 2019-10-14. Review status: criteria provided, single submitter. Criteria: ACMG Guidelines, 2015. Collection method: clinical testing. Allele origin: germline. Not counted in ClinVar's aggregate classification.
Comment: The p.Tyr214X variant in MSH6 has been previously reported in the heterozygous state in at least 1 individual with colorectal cancer (Verma 1999), 1 individual with metastatic prostate cancer (Pritchard 2016), and 1 individual with multiple sebaceous adenomas/embryonal teratoma of the testis and family history of gastrointestinal cancers (Murphy 2008), and in the compound heterozygous state in 1 individual with constitutional mismatch repair-deficiency (Scott 2007). It was absent from large population studies. This variant was classified as Pathogenic on September 5, 2013 by the ClinGen-approved InSiGHT expert panel (Variation ID 89547). This nonsense variant leads to a premature termination codon at position 214, which is predicted to lead to a truncated or absent protein. Heterozygous loss of function of the MSH6 gene is an established disease mechanism in individuals with Lynch syndrome. In summary, this variant meets criteria to be classified as pathogenic for autosomal dominant Lynch syndrome. ACMG/AMP criteria applied: PVS1, PM2, PS4_Supporting, PM3.

Genome Diagnostics Laboratory, University Medical Center Utrecht
Classification: Pathogenic. Review status: no assertion criteria provided. Collection method: clinical testing. Allele origin: germline. Affected: yes. Study: VKGL Data-share Consensus. Not counted in ClinVar's aggregate classification.

Joint Genome Diagnostic Labs from Nijmegen and Maastricht, Radboudumc and MUMC+
Classification: Pathogenic. Review status: no assertion criteria provided. Collection method: clinical testing. Allele origin: germline. Affected: yes. Study: VKGL Data-share Consensus. Not counted in ClinVar's aggregate classification.

Literature cited by the submitters: PubMed 18269114 (cited by Labcorp Genetics (formerly Invitae), Labcorp); PubMed 24362816 (cited by Labcorp Genetics (formerly Invitae), Labcorp); PubMed 10507723 (cited by 3 submitters); PubMed 17259933 (cited by 3 submitters); PubMed 27433846 (cited by 3 submitters); PubMed 18236172 (cited by Ambry Genetics); PubMed 21674763 (cited by Ambry Genetics); PubMed 30670635 (cited by Ambry Genetics).

NM_000179.3(MSH6):c.642C>G (p.Tyr214Ter)

Gene: MSH6 (mutS homolog 6; plus strand). Cytogenetic location: 2p16.3.
Variant type: single nucleotide variant.
Coding change: c.642C>G on transcript NM_000179.3 (MANE Select); coding-DNA position 642, C replaced by G.
Protein change: p.Tyr214Ter; replaces tyrosine 214 with a stop codon.
Molecular consequence: nonsense. On other transcripts: 5 prime UTR variant (2).
Genome position (GRCh38, 1-based): chr2:47,798,625, C>G. VCF-style: chr2-47798625-C-G. GRCh37 (hg19) VCF-style: chr2-48025764-C-G.
Other names: c.252C>G, p.Tyr84Ter (NM_001281492.2); c.-265C>G (NM_001281493.2, NM_001281494.2); short protein forms Y214*, Y84*.
Identifiers: ClinVar variation 89547 (VCV000089547.27), dbSNP rs1800937, ClinGen allele CA016086.